The following is an entry in ClinVar:

NM_052854.4(CREB3L1):c.1315C>T (p.Arg439Cys)

Gene: CREB3L1 (cAMP responsive element binding protein 3 like 1; plus strand). Cytogenetic location: 11p11.2.
Variant type: single nucleotide variant.
Coding change: c.1315C>T on transcript NM_052854.4 (MANE Select); coding-DNA position 1315, C replaced by T.
Protein change: p.Arg439Cys; replaces arginine 439 with cysteine.
Molecular consequence: missense variant.
Genome position (GRCh38, 1-based): chr11:46,320,320, C>T. VCF-style: chr11-46320320-C-T. GRCh37 (hg19) VCF-style: chr11-46341871-C-T.
Other names: short protein forms R439C.
Identifiers: ClinVar variation 1522318 (VCV001522318.7), dbSNP rs774678396, ClinGen allele CA5961854.

ClinVar aggregate classification (germline): Uncertain significance (1 of 4 stars; one submission).

Allele frequency attached by ClinVar (database versions not stated): gnomAD exomes below 0.00001 and 0.00001; ExAC 0.00001; TOPMed 0.00001; gnomAD 0.00002.

Submission:

Labcorp Genetics (formerly Invitae), Labcorp
Classification: Uncertain significance. Last evaluated: 2023-07-17. Review status: criteria provided, single submitter. Criteria: Invitae Variant Classification Sherloc (09022015). Collection method: clinical testing. Allele origin: germline.
Comment: This variant is present in population databases (rs774678396, gnomAD 0.002%). This sequence change replaces arginine, which is basic and polar, with cysteine, which is neutral and slightly polar, at codon 439 of the CREB3L1 protein (p.Arg439Cys). This variant has not been reported in the literature in individuals affected with CREB3L1-related conditions. In summary, the available evidence is currently insufficient to determine the role of this variant in disease. Therefore, it has been classified as a Variant of Uncertain Significance. An algorithm developed to predict the effect of missense changes on protein structure and function (PolyPhen-2) suggests that this variant¬†is likely to be tolerated. ClinVar contains an entry for this variant (Variation ID: 1522318).